The following is an entry in ClinVar:

NM_018012.4(KIF26B):c.876C>T (p.Leu292=)

Gene: KIF26B (kinesin family member 26B; plus strand). Cytogenetic location: 1q44.
Variant type: single nucleotide variant.
Coding change: c.876C>T on transcript NM_018012.4 (MANE Select); coding-DNA position 876, C replaced by T.
Protein change: p.Leu292=; no amino-acid change (leucine 292 retained).
Molecular consequence: synonymous variant.
Genome position (GRCh38, 1-based): chr1:245,367,244, C>T. VCF-style: chr1-245367244-C-T. GRCh37 (hg19) VCF-style: chr1-245530546-C-T.
Identifiers: ClinVar variation 3050204 (VCV003050204.2), dbSNP rs200520003, ClinGen allele CA1487488.

ClinVar aggregate classification (germline): Likely benign (0 of 4 stars; one submission).

Conditions:
KIF26B-related disorder. Also called: KIF26B-related condition.

Allele frequency attached by ClinVar (database versions not stated): 1000 Genomes Project 30x 0.00094; 1000 Genomes Project 0.00100; gnomAD 0.00134; ExAC 0.00147; gnomAD exomes 0.00153; TOPMed 0.00161; ESP Exome Variant Server 0.00168.
gnomAD v4.1: 2,406 of 1,608,092 alleles (0.15%); highest among the groups gnomAD compares: Admixed American, 0.19%; 7 homozygotes.

Submission:

PreventionGenetics, part of Exact Sciences
Classification: Likely benign for KIF26B-related condition. Last evaluated: 2019-07-23. Review status: no assertion criteria provided. Collection method: clinical testing. Allele origin: germline.
Comment: This variant is classified as likely benign based on ACMG/AMP sequence variant interpretation guidelines (Richards et al. 2015 PMID: 25741868, with internal and published modifications).